The following is an entry in ClinVar:

ClinVar aggregate classification (germline): Pathogenic (0 of 4 stars; one submission).

Conditions:
Fanconi anemia complementation group I (FANCI). Also called: FANCI-Related Fanconi Anemia. Identifiers: Orphanet 84, MedGen C1836861, MONDO:0012186, OMIM 609053.

Submission:

Leiden Open Variation Database
Classification: Pathogenic for Fanconi anemia complementation group I. Last evaluated: 2011-02-07. Review status: no assertion criteria provided. Collection method: curation. Allele origin: germline. Affected: yes.
Comment: Curator: Arleen D. Auerbach. Submitter to LOVD: Arleen D. Auerbach.

Literature cited by the submitters: PubMed 17452773.

NM_001113378.2(FANCI):c.1264G>C (p.Gly422Arg)

Gene: FANCI (FA complementation group I; plus strand). Cytogenetic location: 15q26.1.
Variant type: single nucleotide variant.
Coding change: c.1264G>C on transcript NM_001113378.2 (MANE Select); coding-DNA position 1264, G replaced by C.
Protein change: p.Gly422Arg; replaces glycine 422 with arginine.
Molecular consequence: missense variant.
Genome position (GRCh38, 1-based): chr15:89,276,862, G>C. VCF-style: chr15-89276862-G-C. GRCh37 (hg19) VCF-style: chr15-89820093-G-C.
Other names: c.985G>C, p.Gly329Arg (NM_001376910.1); c.1264G>C, p.Gly422Arg (NM_001376911.1, NM_018193.3); short protein forms G329R, G422R.
Identifiers: ClinVar variation 929722 (VCV000929722.1), dbSNP rs146040966, ClinGen allele CA393742505.